The following is an entry in ClinVar:

ClinVar aggregate classification (germline): Conflicting classifications of pathogenicity. Review status: criteria provided, conflicting classifications (1 of 4 stars). 2 submissions from 2 submitters: Uncertain significance (1); Likely benign (1). Last evaluated 2026-04-27.

Conditions:
Inborn genetic diseases. Identifiers: MedGen C0950123, MeSH D030342.
Chilton-Okur-Chung neurodevelopmental syndrome (CHOCNS). Identifiers: MedGen C5677022, MONDO:0859239, OMIM 619841.

Allele frequency attached by ClinVar (database versions not stated): gnomAD exomes below 0.00001; ExAC 0.00001; gnomAD 0.00001; TOPMed 0.00002.
gnomAD v4.1: 6 of 1,614,056 alleles (0.00037%); highest among the groups gnomAD compares: South Asian, 0.0022%; no homozygotes.

Submissions (2):

Centre for Medical Genetics,  Mumbai
Classification: Likely benign for Chilton-Okur-Chung neurodevelopmental syndrome. Last evaluated: 2026-04-27. Review status: criteria provided, single submitter. Criteria: ACMG Guidelines, 2015. Collection method: provider interpretation. Allele origin: germline. Inheritance: Autosomal dominant inheritance. Affected: no. Observed: 1 variant allele, 1 heterozygote.
Comment: The variant satisfies PM2 criteria - extremely low frequency in gnomAD population databases. The variant satisfies PP2 criteria - missense variant in a gene with low rate of benign missense mutations and for which missense mutation is a common mechanism of a disease. However, the variant satisfies BS2 criteria - present in heterozygous state in an individual that clinically does not have Chilton-Okur-Chung neurodevelopmental syndrome.

Ambry Genetics
Classification: Uncertain significance for Inborn genetic diseases. Last evaluated: 2023-12-13. Review status: criteria provided, single submitter. Criteria: Ambry Variant Classification Scheme 2023. Collection method: clinical testing. Allele origin: germline.

Literature cited by the submitters: PubMed 32031333 (cited by Centre for Medical Genetics,  Mumbai).

NM_006035.4(CDC42BPB):c.1800C>A (p.Asp600Glu)

Gene: CDC42BPB (CDC42 binding protein kinase beta; minus strand). Cytogenetic location: 14q32.32.
Variant type: single nucleotide variant.
Coding change: c.1800C>A on transcript NM_006035.4 (MANE Select); coding-DNA position 1800, C replaced by A.
Protein change: p.Asp600Glu; replaces aspartic acid 600 with glutamic acid.
Molecular consequence: missense variant.
Genome position (GRCh38, 1-based): chr14:102,972,003, G>T on the plus strand (C>A on the coding strand, the complement: CDC42BPB is on the minus strand). VCF-style: chr14-102972003-G-T. GRCh37 (hg19) VCF-style: chr14-103438340-G-T.
Other names: c.1800C>A, p.Asp600Glu (NM_001411054.1); short protein forms D600E.
Identifiers: ClinVar variation 3140865 (VCV003140865.2), dbSNP rs759867170, ClinGen allele CA7361271.
Genomic context (GRCh38, chr14:102,972,003, plus strand): 5'-CCGCATTTCCTGCCGCATGGCGTCCACCTTCTGCGTGGCCACCTCCATCTCCTCCTCCTT[G>T]TCTCGCAGCTGCCGGGACACCTTCTGCTTCTGGGCACGGAGCTCTGCCATGCGCTCGTTC-3'
Protein context (NP_006026.3, residues 590-610): QKQKVSRQLR[Asp600Glu]KEEEMEVATQ